The following is an entry in ClinVar:

NM_006269.2(RP1):c.425T>A (p.Val142Glu)

Gene: RP1 (RP1 axonemal microtubule associated; plus strand). Cytogenetic location: 8q12.1.
Variant type: single nucleotide variant.
Coding change: c.425T>A on transcript NM_006269.2 (MANE Select); coding-DNA position 425, T replaced by A.
Protein change: p.Val142Glu; replaces valine 142 with glutamic acid.
Molecular consequence: missense variant.
Genome position (GRCh38, 1-based): chr8:54,621,391, T>A. VCF-style: chr8-54621391-T-A. GRCh37 (hg19) VCF-style: chr8-55533951-T-A.
Other names: c.425T>A, p.Val142Glu (NM_001375654.1); short protein forms V142E.
Identifiers: ClinVar variation 1395102 (VCV001395102.6), dbSNP rs2129314375, ClinGen allele CA370986759.

ClinVar aggregate classification (germline): Uncertain significance (1 of 4 stars; one submission).

Allele frequency attached by ClinVar (database versions not stated): gnomAD exomes below 0.00001.
gnomAD v4.1: 1 of 1,612,754 alleles (0.000062%); highest among the groups gnomAD compares: Non-Finnish European, 0.000085%; no homozygotes.

Submission:

Labcorp Genetics (formerly Invitae), Labcorp
Classification: Uncertain significance. Last evaluated: 2023-10-13. Review status: criteria provided, single submitter. Criteria: Invitae Variant Classification Sherloc (09022015). Collection method: clinical testing. Allele origin: germline.
Comment: This sequence change replaces valine, which is neutral and non-polar, with glutamic acid, which is acidic and polar, at codon 142 of the RP1 protein (p.Val142Glu). This variant is not present in population databases (gnomAD no frequency). This variant has not been reported in the literature in individuals affected with RP1-related conditions. ClinVar contains an entry for this variant (Variation ID: 1395102). An algorithm developed to predict the effect of missense changes on protein structure and function (PolyPhen-2) suggests that this variant is likely to be tolerated. In summary, the available evidence is currently insufficient to determine the role of this variant in disease. Therefore, it has been classified as a Variant of Uncertain Significance.